The following is an entry in ClinVar:

ClinVar aggregate classification (germline): Likely pathogenic (1 of 4 stars; one submission).

Conditions:
Intellectual disability-microcephaly-strabismus-behavioral abnormalities syndrome. Also called: White-Sutton Syndrome. Identifiers: Orphanet 468678, MedGen C4225351, MONDO:0014606, OMIM 616364.

Submission:

Greenwood Genetic Center Diagnostic Laboratories, Greenwood Genetic Center
Classification: Likely pathogenic for Intellectual disability-microcephaly-strabismus-behavioral abnormalities syndrome. Last evaluated: 2024-07-16. Review status: criteria provided, single submitter. Criteria: ACMG Guidelines, 2015. Collection method: clinical testing. Allele origin: germline. Affected: yes.
Comment: PVS1, PM2

NM_015100.4(POGZ):c.1607dup (p.Tyr536Ter)

Gene: POGZ (pogo transposable element derived with ZNF domain; minus strand). Cytogenetic location: 1q21.3.
Variant type: Duplication.
Coding change: c.1607dup on transcript NM_015100.4 (MANE Select); coding-DNA position 1607, one base duplicated (A; older notation c.1607dupA).
Protein change: p.Tyr536Ter; replaces tyrosine 536 with a stop codon.
Molecular consequence: nonsense.
Genome position (GRCh38, 1-based): chr1:151,423,468, T duplicated on the plus strand (A on the coding strand, the reverse complement: POGZ is on the minus strand). VCF-style (leftmost placement, unchanged base first): chr1-151423467-G-GT. GRCh37 (hg19) VCF-style: chr1-151395943-G-GT.
Other names: c.1580dup, p.Tyr527Ter (NM_001194937.2); c.1421dup, p.Tyr474Ter (NM_001194938.2); c.1628dup, p.Tyr543Ter (NM_001410860.1); c.1322dup, p.Tyr441Ter (NM_145796.4); c.1448dup, p.Tyr483Ter (NM_207171.2); short protein forms Y441*, Y474*, Y483*, Y527*, Y536*, Y543*.
Identifiers: ClinVar variation 3765852 (VCV003765852.1).
Genomic context (GRCh38, chr1:151,423,467, plus strand): 5'-ATAGGGACTATGAACATTTTCCAAGTGGCACTGAAGCTGGAAGGGAGTGGAAAACTGGCG[G>GT]TAACAGTGCTGGCAGATAGTGTGACCATCTACCTCACCGTTCTGCTGATCGAGTTCTACG-3'